The following is an entry in ClinVar:

ClinVar aggregate classification (germline): Pathogenic/Likely pathogenic. Review status: criteria provided, multiple submitters, no conflicts (2 of 4 stars). 3 submissions from 3 submitters: Pathogenic (2); Likely pathogenic (1). Last evaluated 2025-01-01.

Conditions:
Intellectual disability-microcephaly-strabismus-behavioral abnormalities syndrome. Also called: White-Sutton Syndrome. Identifiers: Orphanet 468678, MedGen C4225351, MONDO:0014606, OMIM 616364.

Submissions (3):

Center of Human Genetics, Hôpital Erasme
Classification: Pathogenic for Intellectual disability-microcephaly-strabismus-behavioral abnormalities syndrome. Last evaluated: 2025-01-01. Review status: criteria provided, single submitter. Criteria: ACMG Guidelines, 2015. Collection method: clinical testing. Allele origin: de novo. Affected: yes.

GeneDx
Classification: Pathogenic. Last evaluated: 2018-07-13. Review status: criteria provided, single submitter. Criteria: GeneDx Variant Classification (06012015). Collection method: clinical testing. Allele origin: germline. Affected: yes.
Comment: The Q972X variant in the POGZ gene has not been reported previously as a pathogenic variant nor as a benign variant, to our knowledge. This variant is predicted to cause loss of normal protein function through protein truncation, as the last 439 amino acids are lost. The Q972X variant is not observed in large population cohorts (Lek et al., 2016). We interpret Q972X as a pathogenic variant.

Juno Genomics, Hangzhou Juno Genomics, Inc
Classification: Likely pathogenic for Intellectual disability-microcephaly-strabismus-behavioral abnormalities syndrome. Review status: criteria provided, single submitter. Criteria: ACMG Guidelines, 2015. Collection method: clinical testing. Allele origin: germline. Affected: yes.
Comment: Absent from controls (or at extremely low frequency if recessive) in Genome Aggregation Database, Exome Sequencing Project, 1000 Genomes Project, or Exome Aggregation Consortium.;Null variant in a gene where loss of function (LOF) is a known mechanism of disease.;Assumed de novo, but without confirmation of paternity and maternity.

NM_015100.4(POGZ):c.2914C>T (p.Gln972Ter)

Gene: POGZ (pogo transposable element derived with ZNF domain; minus strand). Cytogenetic location: 1q21.3.
Variant type: single nucleotide variant.
Coding change: c.2914C>T on transcript NM_015100.4 (MANE Select); coding-DNA position 2914, C replaced by T.
Protein change: p.Gln972Ter; replaces glutamine 972 with a stop codon.
Molecular consequence: nonsense.
Genome position (GRCh38, 1-based): chr1:151,406,121, G>A on the plus strand (C>T on the coding strand, the complement: POGZ is on the minus strand). VCF-style: chr1-151406121-G-A. GRCh37 (hg19) VCF-style: chr1-151378597-G-A.
Other names: c.2887C>T, p.Gln963Ter (NM_001194937.2); c.2728C>T, p.Gln910Ter (NM_001194938.2); c.2629C>T, p.Gln877Ter (NM_145796.4); c.2755C>T, p.Gln919Ter (NM_207171.2); short protein forms Q972*, Q910*, Q877*, Q919*, Q963*.
Identifiers: ClinVar variation 620278 (VCV000620278.4), dbSNP rs1557866540, ClinGen allele CA341947549.